The following is an entry in ClinVar:

NM_000321.3(RB1):c.163C>T (p.Pro55Ser)

Gene: RB1 (RB transcriptional corepressor 1; plus strand). Cytogenetic location: 13q14.2.
Variant type: single nucleotide variant.
Coding change: c.163C>T on transcript NM_000321.3 (MANE Select); coding-DNA position 163, C replaced by T.
Protein change: p.Pro55Ser; replaces proline 55 with serine.
Molecular consequence: missense variant.
Genome position (GRCh38, 1-based): chr13:48,307,305, C>T. VCF-style: chr13-48307305-C-T. GRCh37 (hg19) VCF-style: chr13-48881441-C-T.
Other names: short protein forms P55S.
Identifiers: ClinVar variation 1009646 (VCV001009646.8), dbSNP rs769618862, ClinGen allele CA388250478.

ClinVar aggregate classification (germline): Uncertain significance (1 of 4 stars; one submission).

Conditions:
Retinoblastoma (RB1). Also called: RETINOBLASTOMA, SOMATIC. Identifiers: Orphanet 790, MedGen C0035335, MeSH D012175, MONDO:0008380, OMIM 180200, HP:0009919. Disease mechanism: loss of function. Inheritance: Both sporadic and heritable forms are tested..

Submission:

Labcorp Genetics (formerly Invitae), Labcorp
Classification: Uncertain significance for Retinoblastoma. Last evaluated: 2022-02-18. Review status: criteria provided, single submitter. Criteria: Invitae Variant Classification Sherloc (09022015). Collection method: clinical testing. Allele origin: germline.
Comment: In summary, the available evidence is currently insufficient to determine the role of this variant in disease. Therefore, it has been classified as a Variant of Uncertain Significance. Algorithms developed to predict the effect of missense changes on protein structure and function are either unavailable or do not agree on the potential impact of this missense change (SIFT: "Tolerated"; PolyPhen-2: "Benign"; Align-GVGD: "Class C25"). ClinVar contains an entry for this variant (Variation ID: 1009646). This variant has not been reported in the literature in individuals affected with RB1-related conditions. This variant is not present in population databases (gnomAD no frequency). This sequence change replaces proline, which is neutral and non-polar, with serine, which is neutral and polar, at codon 55 of the RB1 protein (p.Pro55Ser).